The following is an entry in ClinVar:

ClinVar aggregate classification (germline): Conflicting classifications of pathogenicity. Review status: criteria provided, conflicting classifications (1 of 4 stars). 3 submissions from 3 submitters: Uncertain significance (2); Likely benign (1). Last evaluated 2025-10-18.

Conditions:
Hereditary cancer-predisposing syndrome. Also called: Tumor predisposition; Hereditary neoplastic syndrome; Neoplastic Syndromes, Hereditary; Hereditary Cancer Syndrome. Identifiers: Orphanet 140162, MedGen C0027672, MeSH D009386, MONDO:0015356.
DICER1-related disorder. Also called: DICER1-related condition.
DICER1-related tumor predisposition. Also called: DICER1-related pleuropulmonary blastoma cancer predisposition syndrome; DICER1 syndrome. Identifiers: Orphanet 284343, MedGen C3839822, MONDO:0100216.

Submissions (3):

PreventionGenetics, part of Exact Sciences
Classification: Uncertain significance for DICER1-related condition. Last evaluated: 2025-10-18. Review status: criteria provided, single submitter. Criteria: ACMG Guidelines, 2015. Collection method: clinical testing. Allele origin: germline.
Comment: The DICER1 c.2436+5G>T variant is predicted to interfere with splicing. To our knowledge, this variant has not been reported in the literature or in a large population database (gnomAD), indicating this variant is rare. This variant has conflicting classifications in ClinVar ranging from likely benign to uncertain (Variation ID: 1056213). Although we suspect that this variant may be benign, at this time, the clinical significance of this variant is uncertain due to the absence of conclusive functional and genetic evidence.

Ambry Genetics
Classification: Uncertain significance for Hereditary cancer-predisposing syndrome. Last evaluated: 2025-08-12. Review status: criteria provided, single submitter. Criteria: Ambry Variant Classification Scheme 2023. Collection method: clinical testing. Allele origin: germline.
Comment: The c.2436+5G>T intronic variant results from a G to T substitution 5 nucleotides after coding exon 14 in the DICER1 gene. This nucleotide position is poorly conserved in available vertebrate species. In silico splice site analysis predicts that this alteration will not have any significant effect on splicing; however, direct evidence is insufficient at this time (Ambry internal data). Since supporting evidence is limited at this time, the clinical significance of this alteration remains unclear.

Labcorp Genetics (formerly Invitae), Labcorp
Classification: Likely benign for DICER1-related tumor predisposition. Last evaluated: 2024-09-17. Review status: criteria provided, single submitter. Criteria: Invitae Variant Classification Sherloc (09022015). Collection method: clinical testing. Allele origin: germline.

NM_177438.3(DICER1):c.2436+5G>T

Gene: DICER1 (dicer 1, ribonuclease III; minus strand). Cytogenetic location: 14q32.13.
Variant type: single nucleotide variant.
Coding change: c.2436+5G>T on transcript NM_177438.3 (MANE Select); 5 bases into the intron after coding-DNA position 2436, G replaced by T.
Molecular consequence: intron variant.
Genome position (GRCh38, 1-based): chr14:95,108,319, C>A on the plus strand (G>T on the coding strand, the complement: DICER1 is on the minus strand). VCF-style: chr14-95108319-C-A. GRCh37 (hg19) VCF-style: chr14-95574656-C-A.
Other names: c.2436+5G>T (NM_177438.2, NM_001291628.2, NM_030621.4 and 2 more transcripts).
Identifiers: ClinVar variation 1056213 (VCV001056213.11), dbSNP rs2140030983, ClinGen allele CA2499222814.